The following is an entry in ClinVar:

ClinVar aggregate classification (germline): Likely benign (1 of 4 stars; one submission).

Conditions:
Hereditary diffuse gastric adenocarcinoma (HDGC). Also called: DIFFUSE GASTRIC AND LOBULAR BREAST CANCER SYNDROME. Identifiers: Orphanet 26106, MedGen C1708349, MONDO:0007648, OMIM 137215.

Submission:

Myriad Genetics, Inc.
Classification: Likely benign for Hereditary diffuse gastric adenocarcinoma. Last evaluated: 2024-09-12. Review status: criteria provided, single submitter. Criteria: Myriad Autosomal Dominant, Autosomal Recessive and X-Linked Classification Criteria (2023). Collection method: clinical testing. Allele origin: unknown.
Comment: This variant is considered likely benign. This variant is intronic and is not expected to impact mRNA splicing.

NM_004360.5(CDH1):c.387+8G>A

Gene: CDH1 (cadherin 1; plus strand). Cytogenetic location: 16q22.1.
Variant type: single nucleotide variant.
Coding change: c.387+8G>A on transcript NM_004360.5 (MANE Select); 8 bases into the intron after coding-DNA position 387, G replaced by A.
Molecular consequence: intron variant.
Genome position (GRCh38, 1-based): chr16:68,801,901, G>A. VCF-style: chr16-68801901-G-A. GRCh37 (hg19) VCF-style: chr16-68835804-G-A.
Other names: c.-1229+8G>A (NM_001317185.2); c.-1433+8G>A (NM_001317186.2); c.387+8G>A (NM_001317184.2).
Identifiers: ClinVar variation 3379339 (VCV003379339.1).